The following is an entry in ClinVar:

NM_017946.4(FKBP14):c.99G>T (p.Gln33His)

Genes: FKBP14-AS1 (FKBP14 antisense RNA 1; plus strand), FKBP14 (FKBP prolyl isomerase 14; minus strand). Cytogenetic location: 7p14.3.
Variant type: single nucleotide variant.
Coding change: c.99G>T on transcript NM_017946.4 (MANE Select); coding-DNA position 99, G replaced by T.
Protein change: p.Gln33His; replaces glutamine 33 with histidine.
Molecular consequence: missense variant. On other transcripts: non-coding transcript variant (3).
Genome position (GRCh38, 1-based): chr7:30,026,410, C>A on the plus strand (G>T on the coding strand, the complement: FKBP14 is on the minus strand). VCF-style: chr7-30026410-C-A. GRCh37 (hg19) VCF-style: chr7-30066026-C-A.
Other names: short protein forms Q33H.
Identifiers: ClinVar variation 2789472 (VCV002789472.3), dbSNP rs746072392, ClinGen allele CA367117906.
Genomic context (GRCh38, chr7:30,026,410, plus strand): 5'-TTCATAGTGGACCAACATCAAATCCCCTCCTTTGGTCTTGCGATGGCAGATGAATGGCTT[C>A]TGGAGAACTTCAATTTTCACTTCTGGTTCAGGGATCAAAGCCCCAATCAAAGAAGTGACG-3'
Protein context (NP_060416.1, residues 23-43): PEPEVKIEVL[Gln33His]KPFICHRKTK

ClinVar aggregate classification (germline): Uncertain significance (1 of 4 stars; one submission).

Conditions:
Ehlers-Danlos syndrome, kyphoscoliotic type, 2. Also called: Ehlers-Danlos syndrome with progressive kyphoscoliosis, myopathy, and hearing loss; Ehlers-Danlos syndrome, kyphoscoliotic and deafness type; FKBP14-Kyphoscoliotic Ehlers-Danlos Syndrome. Identifiers: Orphanet 300179, MedGen C3281160, MONDO:0013800, OMIM 614557.

Submission:

Labcorp Genetics (formerly Invitae), Labcorp
Classification: Uncertain significance for Ehlers-Danlos syndrome, kyphoscoliotic type, 2. Last evaluated: 2023-08-11. Review status: criteria provided, single submitter. Criteria: Invitae Variant Classification Sherloc (09022015). Collection method: clinical testing. Allele origin: germline.
Comment: In summary, the available evidence is currently insufficient to determine the role of this variant in disease. Therefore, it has been classified as a Variant of Uncertain Significance. Algorithms developed to predict the effect of missense changes on protein structure and function output the following: SIFT: "Not Available"; PolyPhen-2: "Benign"; Align-GVGD: "Not Available". The histidine amino acid residue is found in multiple mammalian species, which suggests that this missense change does not adversely affect protein function. This variant has not been reported in the literature in individuals affected with FKBP14-related conditions. This variant is not present in population databases (gnomAD no frequency). This sequence change replaces glutamine, which is neutral and polar, with histidine, which is basic and polar, at codon 33 of the FKBP14 protein (p.Gln33His).